The following is an entry in ClinVar:

NM_006397.3(RNASEH2A):c.242C>G (p.Ala81Gly)

Gene: RNASEH2A (ribonuclease H2 subunit A; plus strand). Cytogenetic location: 19p13.13.
Variant type: single nucleotide variant.
Coding change: c.242C>G on transcript NM_006397.3 (MANE Select); coding-DNA position 242, C replaced by G.
Protein change: p.Ala81Gly; replaces alanine 81 with glycine.
Molecular consequence: missense variant.
Genome position (GRCh38, 1-based): chr19:12,807,248, C>G. VCF-style: chr19-12807248-C-G. GRCh37 (hg19) VCF-style: chr19-12918062-C-G.
Other names: short protein forms A81G.
Identifiers: ClinVar variation 2997553 (VCV002997553.2), dbSNP rs1236937852, ClinGen allele CA404264847.

ClinVar aggregate classification (germline): Uncertain significance (1 of 4 stars; one submission).

Conditions:
Aicardi-Goutieres syndrome 4. Identifiers: Orphanet 51, MedGen C1835912, MONDO:0012472, OMIM 610333.

Submission:

Labcorp Genetics (formerly Invitae), Labcorp
Classification: Uncertain significance for Aicardi-Goutieres syndrome 4. Last evaluated: 2023-08-10. Review status: criteria provided, single submitter. Criteria: Invitae Variant Classification Sherloc (09022015). Collection method: clinical testing. Allele origin: germline.
Comment: Advanced modeling of protein sequence and biophysical properties (such as structural, functional, and spatial information, amino acid conservation, physicochemical variation, residue mobility, and thermodynamic stability) performed at Invitae indicates that this missense variant is not expected to disrupt RNASEH2A protein function. This sequence change replaces alanine, which is neutral and non-polar, with glycine, which is neutral and non-polar, at codon 81 of the RNASEH2A protein (p.Ala81Gly). This variant is not present in population databases (gnomAD no frequency). This variant has not been reported in the literature in individuals affected with RNASEH2A-related conditions. In summary, the available evidence is currently insufficient to determine the role of this variant in disease. Therefore, it has been classified as a Variant of Uncertain Significance.